The following is an entry in ClinVar:

ClinVar aggregate classification (germline): Uncertain significance (1 of 4 stars; one submission).

Allele frequency attached by ClinVar (database versions not stated): gnomAD exomes below 0.00001; TOPMed below 0.00001.
gnomAD v4.1: 2 of 1,614,192 alleles (0.00012%); highest among the groups gnomAD compares: Admixed American, 0.0033%; no homozygotes.

Submission:

Labcorp Genetics (formerly Invitae), Labcorp
Classification: Uncertain significance. Last evaluated: 2025-06-01. Review status: criteria provided, single submitter. Criteria: Invitae Variant Classification Sherloc (09022015). Collection method: clinical testing. Allele origin: germline.
Comment: This sequence change replaces leucine, which is neutral and non-polar, with arginine, which is basic and polar, at codon 785 of the KCNQ5 protein (p.Leu785Arg). This variant is present in population databases (no rsID available, gnomAD 0.003%). This variant has not been reported in the literature in individuals affected with KCNQ5-related conditions. ClinVar contains an entry for this variant (Variation ID: 2975531). Invitae Evidence Modeling of protein sequence and biophysical properties (such as structural, functional, and spatial information, amino acid conservation, physicochemical variation, residue mobility, and thermodynamic stability) indicates that this missense variant is not expected to disrupt KCNQ5 protein function with a negative predictive value of 95%. In summary, the available evidence is currently insufficient to determine the role of this variant in disease. Therefore, it has been classified as a Variant of Uncertain Significance.

NM_019842.4(KCNQ5):c.2297T>G (p.Leu766Arg)

Gene: KCNQ5 (potassium voltage-gated channel subfamily Q member 5; plus strand). Cytogenetic location: 6q13.
Variant type: single nucleotide variant.
Coding change: c.2297T>G on transcript NM_019842.4 (MANE Select); coding-DNA position 2297, T replaced by G.
Protein change: p.Leu766Arg; replaces leucine 766 with arginine.
Molecular consequence: missense variant.
Genome position (GRCh38, 1-based): chr6:73,194,912, T>G. VCF-style: chr6-73194912-T-G. GRCh37 (hg19) VCF-style: chr6-73904635-T-G.
Other names: c.2270T>G, p.Leu757Arg (NM_001160130.2); c.2327T>G, p.Leu776Arg (NM_001160132.2); c.2354T>G, p.Leu785Arg (NM_001160133.2); c.1967T>G, p.Leu656Arg (NM_001160134.2); short protein forms L766R, L776R, L656R, L757R, L785R.
Identifiers: ClinVar variation 2975531 (VCV002975531.3), dbSNP rs1394691757, ClinGen allele CA364695662.